The following is an entry in ClinVar:

ClinVar aggregate classification (germline): Uncertain significance. Review status: criteria provided, multiple submitters, no conflicts (2 of 4 stars). 3 submissions from 3 submitters: Uncertain significance (3). Last evaluated 2026-01-27.

Conditions:
MYH7-related skeletal myopathy. Also called: Myopathy, distal, 1; Laing early-onset distal myopathy; MYOPATHY, DISTAL, EARLY-ONSET, AUTOSOMAL DOMINANT; MYOPATHY, LATE DISTAL HEREDITARY; Laing distal myopathy. Identifiers: Orphanet 59135, MedGen C4552004, MONDO:0008050, OMIM 160500.
Dilated cardiomyopathy 1S (CMD1S). Identifiers: Orphanet 154, Orphanet 54260, MedGen C1834481, MONDO:0013262, OMIM 613426.
Myopathy, myosin storage, autosomal recessive (CMYO7B). Also called: CONGENITAL MYOPATHY 7B, MYOSIN STORAGE, AUTOSOMAL RECESSIVE. Identifiers: Orphanet 636970, MedGen C1850709, MONDO:0009708, OMIM 255160.
Congenital myopathy with fiber type disproportion. Also called: Congenital fiber-type disproportion; Congenital fiber-type disproportion myopathy. Identifiers: Orphanet 2020, MedGen C0546264, MONDO:0009711. Inheritance: all.
Myosin storage myopathy (CMYO7A). Also called: MYOPATHY, HYALINE BODY, AUTOSOMAL DOMINANT; MYOPATHY WITH LYSIS OF TYPE I MYOFIBRILS; Scapuloperoneal myopathy, MYH7-related; SCAPULOPERONEAL MUSCULAR DYSTROPHY; SCAPULOPERONEAL SYNDROME, MYOPATHIC TYPE; MYH7-related late-onset scapuloperoneal muscular dystrophy. Identifiers: Orphanet 437572, Orphanet 636965, MedGen C1842160, MONDO:0008409, OMIM 608358.
Hypertrophic cardiomyopathy 1 (CMH1). Also called: Familial hypertrophic cardiomyopathy 1; MYH7-Related Familial Hypertrophic Cardiomyopathy. Identifiers: MedGen C3495498, MONDO:0008647, OMIM 192600.
Cardiovascular phenotype. Identifiers: MedGen CN230736.
Hypertrophic cardiomyopathy. Also called: HYPERTROPHIC MYOCARDIOPATHY. Identifiers: Orphanet 217569, MedGen C0007194, MeSH D002312, MONDO:0005045, HP:0001639.

Allele frequency attached by ClinVar (database versions not stated): gnomAD exomes below 0.00001.
gnomAD v4.1: 6 of 1,614,258 alleles (0.00037%); highest among the groups gnomAD compares: Non-Finnish European, 0.00051%; no homozygotes.

Submissions (3):

Labcorp Genetics (formerly Invitae), Labcorp
Classification: Uncertain significance for Hypertrophic cardiomyopathy. Last evaluated: 2026-01-27. Review status: criteria provided, single submitter. Criteria: Invitae Variant Classification Sherloc (09022015). Collection method: clinical testing. Allele origin: germline.
Comment: This sequence change replaces glutamine, which is neutral and polar, with arginine, which is basic and polar, at codon 27 of the MYH7 protein (p.Gln27Arg). This variant is not present in population databases (gnomAD no frequency). This missense change has been observed in individual(s) with hypertrophic cardiomyopathy (PMID: 27532257, 37652022). ClinVar contains an entry for this variant (Variation ID: 237445). Invitae Evidence Modeling of protein sequence and biophysical properties (such as structural, functional, and spatial information, amino acid conservation, physicochemical variation, residue mobility, and thermodynamic stability) has been performed for this missense variant. However, the output from this modeling did not meet the statistical confidence thresholds required to predict the impact of this variant on MYH7 protein function. In summary, the available evidence is currently insufficient to determine the role of this variant in disease. Therefore, it has been classified as a Variant of Uncertain Significance.

Ambry Genetics
Classification: Uncertain significance for Cardiovascular phenotype. Last evaluated: 2022-09-02. Review status: criteria provided, single submitter. Criteria: Ambry Variant Classification Scheme 2023. Collection method: clinical testing. Allele origin: germline.
Comment: The p.Q27R variant (also known as c.80A>G), located in coding exon 1 of the MYH7 gene, results from an A to G substitution at nucleotide position 80. The glutamine at codon 27 is replaced by arginine, an amino acid with highly similar properties. This variant has been detected in individuals referred for hypertrophic cardiomyopathy genetic testing; however, details were limited (Walsh R et al. Genet. Med., 2017 02;19:192-203). This amino acid position is well conserved in available vertebrate species. In addition, this alteration is predicted to be tolerated by in silico analysis. Since supporting evidence is limited at this time, the clinical significance of this alteration remains unclear.

Fulgent Genetics
Classification: Uncertain significance for MYH7-related skeletal myopathy; Myosin storage myopathy; Hypertrophic cardiomyopathy 1; Myopathy, myosin storage, autosomal recessive; Congenital myopathy 4A, autosomal dominant; Dilated cardiomyopathy 1S. Last evaluated: 2021-07-13. Review status: criteria provided, single submitter. Criteria: ACMG Guidelines, 2015. Collection method: clinical testing. Allele origin: unknown.

Literature cited by the submitters: PubMed 27532257 (cited by Labcorp Genetics (formerly Invitae), Labcorp and Ambry Genetics); PubMed 37652022 (cited by Labcorp Genetics (formerly Invitae), Labcorp).

NM_000257.4(MYH7):c.80A>G (p.Gln27Arg)

Gene: MYH7 (myosin heavy chain 7; minus strand). Cytogenetic location: 14q11.2.
Variant type: single nucleotide variant.
Coding change: c.80A>G on transcript NM_000257.4 (MANE Select); coding-DNA position 80, A replaced by G.
Protein change: p.Gln27Arg; replaces glutamine 27 with arginine.
Molecular consequence: missense variant.
Genome position (GRCh38, 1-based): chr14:23,433,653, T>C on the plus strand (A>G on the coding strand, the complement: MYH7 is on the minus strand). VCF-style: chr14-23433653-T-C. GRCh37 (hg19) VCF-style: chr14-23902862-T-C.
Other names: c.80A>G (LRG_384t1, NM_000257.3); short protein forms Q27R.
Identifiers: ClinVar variation 237445 (VCV000237445.14), dbSNP rs878853843, ClinGen allele CA10583175.